The following is an entry in ClinVar:

ClinVar aggregate classification (germline): Uncertain significance (1 of 4 stars; one submission).

Conditions:
Spastic paraplegia. Identifiers: MedGen C0037772, HP:0001258.

gnomAD v4.1: 2 of 1,614,086 alleles (0.00012%); highest among the groups gnomAD compares: Non-Finnish European, 0.000085%; no homozygotes.

Submission:

Labcorp Genetics (formerly Invitae), Labcorp
Classification: Uncertain significance for Spastic paraplegia. Last evaluated: 2023-08-17. Review status: criteria provided, single submitter. Criteria: Invitae Variant Classification Sherloc (09022015). Collection method: clinical testing. Allele origin: germline.
Comment: In summary, the available evidence is currently insufficient to determine the role of this variant in disease. Therefore, it has been classified as a Variant of Uncertain Significance. Advanced modeling of protein sequence and biophysical properties (such as structural, functional, and spatial information, amino acid conservation, physicochemical variation, residue mobility, and thermodynamic stability) performed at Invitae indicates that this missense variant is not expected to disrupt SACS protein function. This sequence change replaces aspartic acid, which is acidic and polar, with valine, which is neutral and non-polar, at codon 3925 of the SACS protein (p.Asp3925Val). This variant is not present in population databases (gnomAD no frequency). This variant has not been reported in the literature in individuals affected with SACS-related conditions. ClinVar contains an entry for this variant (Variation ID: 2151022).

NM_014363.6(SACS):c.11774A>T (p.Asp3925Val)

Gene: SACS (sacsin molecular chaperone; minus strand). Cytogenetic location: 13q12.12.
Variant type: single nucleotide variant.
Coding change: c.11774A>T on transcript NM_014363.6 (MANE Select); coding-DNA position 11774, A replaced by T.
Protein change: p.Asp3925Val; replaces aspartic acid 3925 with valine.
Molecular consequence: missense variant.
Genome position (GRCh38, 1-based): chr13:23,332,102, T>A on the plus strand (A>T on the coding strand, the complement: SACS is on the minus strand). VCF-style: chr13-23332102-T-A. GRCh37 (hg19) VCF-style: chr13-23906241-T-A.
Other names: c.11333A>T, p.Asp3778Val (NM_001278055.2); short protein forms D3778V, D3925V.
Identifiers: ClinVar variation 2151022 (VCV002151022.4), dbSNP rs2542164702, ClinGen allele CA387509240.
Genomic context (GRCh38, chr13:23,332,102, plus strand): 5'-TCAACTAACATTTGCACACCAATATTCCCCTGGATTCTACTTTTATAATGTGGCGCATCG[T>A]CAAACACTAAGATGCTTGACTTTACCAATCTACCATCCTGGCTTGGGAGGTAAAGCGCAA-3'
Protein context (NP_055178.3, residues 3915-3935): RLVKSSILVF[Asp3925Val]DAPHYKSRIQ